The following is an entry in ClinVar:

NM_000531.6(OTC):c.53del (p.His18fs)

Gene: OTC (ornithine transcarbamylase; plus strand). Cytogenetic location: Xp11.4.
Variant type: Deletion.
Coding change: c.53del on transcript NM_000531.6 (MANE Select); coding-DNA position 53, one base deleted (A; older notation c.53delA).
Protein change: p.His18fs; shifts the reading frame from histidine 18.
Molecular consequence: frameshift variant.
Genome position (GRCh38, 1-based): chrX:38,352,749, A deleted. VCF-style (leftmost placement, unchanged base first): chrX-38352748-CA-C. GRCh37 (hg19) VCF-style: chrX-38212001-CA-C.
Other names: short protein forms H18fs.
Identifiers: ClinVar variation 97239 (VCV000097239.2), dbSNP rs72552299, ClinGen allele CA224671.

ClinVar aggregate classification (germline): Pathogenic (0 of 4 stars; one submission).

Submission:

GenMed Metabolism Lab
Classification: Pathogenic. Review status: no assertion criteria provided. Collection method: not provided. Allele origin: unknown.
Comment: Frameshift, Neonatal
ClinVar note: Converted during submission from pathogenic to Pathogenic.